The following is an entry in ClinVar:

ClinVar aggregate classification (germline): Likely benign (0 of 4 stars; one submission).

Conditions:
FASLG-related disorder. Also called: FASLG-related condition.

Allele frequency attached by ClinVar (database versions not stated): gnomAD exomes below 0.00001.
gnomAD v4.1: 6 of 1,614,092 alleles (0.00037%); highest among the groups gnomAD compares: African/African-American, 0.0013%; no homozygotes.

Submission:

PreventionGenetics, part of Exact Sciences
Classification: Likely benign for FASLG-related condition. Last evaluated: 2019-06-25. Review status: no assertion criteria provided. Collection method: clinical testing. Allele origin: germline.
Comment: This variant is classified as likely benign based on ACMG/AMP sequence variant interpretation guidelines (Richards et al. 2015 PMID: 25741868, with internal and published modifications).

NM_000639.3(FASLG):c.645C>T (p.Asn215=)

Gene: FASLG (Fas ligand; plus strand). Cytogenetic location: 1q24.3.
Variant type: single nucleotide variant.
Coding change: c.645C>T on transcript NM_000639.3 (MANE Select); coding-DNA position 645, C replaced by T.
Protein change: p.Asn215=; no amino-acid change (asparagine 215 retained).
Molecular consequence: synonymous variant. On other transcripts: 3 prime UTR variant (1).
Genome position (GRCh38, 1-based): chr1:172,665,815, C>T. VCF-style: chr1-172665815-C-T. GRCh37 (hg19) VCF-style: chr1-172634955-C-T.
Other names: c.*215C>T (NM_001302746.2).
Identifiers: ClinVar variation 3043328 (VCV003043328.2), dbSNP rs1394511823, ClinGen allele CA421944544.